The following is an entry in ClinVar:

ClinVar aggregate classification (germline): Uncertain significance. Review status: criteria provided, multiple submitters, no conflicts (2 of 4 stars). 3 submissions from 3 submitters: Uncertain significance (3). Last evaluated 2026-01-25.

Conditions:
Hereditary cancer-predisposing syndrome. Also called: Tumor predisposition; Hereditary neoplastic syndrome; Hereditary Cancer Syndrome; Neoplastic Syndromes, Hereditary. Identifiers: Orphanet 140162, MedGen C0027672, MeSH D009386, MONDO:0015356.
Gastrointestinal stromal tumor. Also called: Gastrointestinal stroma tumor; Gastrointestinal stromal tumor, somatic. Identifiers: Orphanet 44890, MedGen C0238198, MeSH D046152, MONDO:0011719, OMIM 606764, HP:0100723.

Allele frequency attached by ClinVar (database versions not stated): gnomAD exomes below 0.00001; ExAC 0.00001; TOPMed 0.00001; gnomAD 0.00003; 1000 Genomes Project 30x 0.00016; 1000 Genomes Project 0.00020.
gnomAD v4.1: 7 of 1,613,554 alleles (0.00043%); highest among the groups gnomAD compares: African/African-American, 0.0053%; no homozygotes.

Submissions (3):

Labcorp Genetics (formerly Invitae), Labcorp
Classification: Uncertain significance for Gastrointestinal stromal tumor. Last evaluated: 2026-01-25. Review status: criteria provided, single submitter. Criteria: Invitae Variant Classification Sherloc (09022015). Collection method: clinical testing. Allele origin: germline.
Comment: This sequence change replaces arginine, which is basic and polar, with glycine, which is neutral and non-polar, at codon 750 of the KIT protein (p.Arg750Gly). This variant is present in population databases (rs541362004, gnomAD 0.007%). This variant has not been reported in the literature in individuals affected with KIT-related conditions. ClinVar contains an entry for this variant (Variation ID: 528599). An algorithm developed to predict the effect of missense changes on protein structure and function (PolyPhen-2) suggests that this variant is likely to be tolerated. In summary, the available evidence is currently insufficient to determine the role of this variant in disease. Therefore, it has been classified as a Variant of Uncertain Significance.

Ambry Genetics
Classification: Uncertain significance for Hereditary cancer-predisposing syndrome. Last evaluated: 2025-03-07. Review status: criteria provided, single submitter. Criteria: Ambry Variant Classification Scheme 2023. Collection method: clinical testing. Allele origin: germline.
Comment: The p.R750G variant (also known as c.2248A>G), located in coding exon 16 of the KIT gene, results from an A to G substitution at nucleotide position 2248. The arginine at codon 750 is replaced by glycine, an amino acid with dissimilar properties. This amino acid position is not well conserved in available vertebrate species. In addition, the in silico prediction for this alteration is inconclusive. Since supporting evidence is limited at this time, the clinical significance of this alteration remains unclear.

Baylor Genetics
Classification: Uncertain significance for Gastrointestinal stromal tumor. Last evaluated: 2023-11-03. Review status: criteria provided, single submitter. Criteria: ACMG Guidelines, 2015. Collection method: clinical testing. Allele origin: unknown.

NM_000222.3(KIT):c.2248A>G (p.Arg750Gly)

Gene: KIT (KIT proto-oncogene, receptor tyrosine kinase; plus strand). Cytogenetic location: 4q12.
Variant type: single nucleotide variant.
Coding change: c.2248A>G on transcript NM_000222.3 (MANE Select); coding-DNA position 2248, A replaced by G.
Protein change: p.Arg750Gly; replaces arginine 750 with glycine.
Molecular consequence: missense variant.
Genome position (GRCh38, 1-based): chr4:54,731,885, A>G. VCF-style: chr4-54731885-A-G. GRCh37 (hg19) VCF-style: chr4-55598051-A-G.
Other names: c.2236A>G, p.Arg746Gly (NM_001093772.2, NM_001385292.1); c.2251A>G, p.Arg751Gly (NM_001385284.1); c.2245A>G, p.Arg749Gly (NM_001385285.1); c.2233A>G, p.Arg745Gly (NM_001385286.1); c.2239A>G, p.Arg747Gly (NM_001385288.1); c.2248A>G, p.Arg750Gly (NM_001385290.1); short protein forms R750G, R746G, R745G, R747G, R749G, R751G.
Identifiers: ClinVar variation 528599 (VCV000528599.14), dbSNP rs541362004, ClinGen allele CA2923703.